The following is an entry in ClinVar:

NM_004268.5(MED17):c.1549C>T (p.Gln517Ter)

Gene: MED17 (mediator complex subunit 17; plus strand). Cytogenetic location: 11q21.
Variant type: single nucleotide variant.
Coding change: c.1549C>T on transcript NM_004268.5 (MANE Select); coding-DNA position 1549, C replaced by T.
Protein change: p.Gln517Ter; replaces glutamine 517 with a stop codon.
Molecular consequence: nonsense.
Genome position (GRCh38, 1-based): chr11:93,807,600, C>T. VCF-style: chr11-93807600-C-T. GRCh37 (hg19) VCF-style: chr11-93540766-C-T.
Other names: short protein forms Q517*.
Identifiers: ClinVar variation 2033551 (VCV002033551.4), dbSNP rs2497551789, ClinGen allele CA382360866.

ClinVar aggregate classification (germline): Pathogenic (1 of 4 stars; one submission).

Submission:

Labcorp Genetics (formerly Invitae), Labcorp
Classification: Pathogenic. Last evaluated: 2022-10-10. Review status: criteria provided, single submitter. Criteria: Invitae Variant Classification Sherloc (09022015). Collection method: clinical testing. Allele origin: germline.
Comment: For these reasons, this variant has been classified as Pathogenic. Algorithms developed to predict the effect of sequence changes on RNA splicing suggest that this variant may disrupt the consensus splice site. This variant has not been reported in the literature in individuals affected with MED17-related conditions. This variant is not present in population databases (gnomAD no frequency). This sequence change creates a premature translational stop signal (p.Gln517*) in the MED17 gene. It is expected to result in an absent or disrupted protein product. Loss-of-function variants in MED17 are known to be pathogenic (PMID: 20950787, 26004231, 30345598).

Literature cited by the submitters: PubMed 20950787; PubMed 26004231; PubMed 30345598.